The following is an entry in ClinVar:

NM_012233.3(RAB3GAP1):c.412G>A (p.Ala138Thr)

Gene: RAB3GAP1 (RAB3 GTPase activating protein catalytic subunit 1; plus strand). Cytogenetic location: 2q21.3.
Variant type: single nucleotide variant.
Coding change: c.412G>A on transcript NM_012233.3 (MANE Select); coding-DNA position 412, G replaced by A.
Protein change: p.Ala138Thr; replaces alanine 138 with threonine.
Molecular consequence: missense variant.
Genome position (GRCh38, 1-based): chr2:135,113,200, G>A. VCF-style: chr2-135113200-G-A. GRCh37 (hg19) VCF-style: chr2-135870770-G-A.
Other names: c.412G>A, p.Ala138Thr (NM_001172435.2); short protein forms A138T.
Identifiers: ClinVar variation 2102835 (VCV002102835.1), dbSNP rs1690868164, ClinGen allele CA348566843.

ClinVar aggregate classification (germline): Uncertain significance (1 of 4 stars; one submission).

Allele frequency attached by ClinVar (database versions not stated): gnomAD exomes below 0.00001; TOPMed 0.00001.
gnomAD v4.1: 1 of 1,614,038 alleles (0.000062%); highest among the groups gnomAD compares: Non-Finnish European, 0.000085%; no homozygotes.

Submission:

Labcorp Genetics (formerly Invitae), Labcorp
Classification: Uncertain significance. Last evaluated: 2022-06-15. Review status: criteria provided, single submitter. Criteria: Invitae Variant Classification Sherloc (09022015). Collection method: clinical testing. Allele origin: germline.
Comment: This sequence change replaces alanine, which is neutral and non-polar, with threonine, which is neutral and polar, at codon 138 of the RAB3GAP1 protein (p.Ala138Thr). This variant is not present in population databases (gnomAD no frequency). This variant has not been reported in the literature in individuals affected with RAB3GAP1-related conditions. Algorithms developed to predict the effect of missense changes on protein structure and function (SIFT, PolyPhen-2, Align-GVGD) all suggest that this variant is likely to be tolerated. In summary, the available evidence is currently insufficient to determine the role of this variant in disease. Therefore, it has been classified as a Variant of Uncertain Significance.